The following is an entry in ClinVar:

ClinVar aggregate classification (germline): Uncertain significance. Review status: criteria provided, multiple submitters, no conflicts (2 of 4 stars). 2 submissions from 2 submitters: Uncertain significance (2). Last evaluated 2025-10-17.

Conditions:
Ataxia-telangiectasia syndrome (AT). Also called: Ataxia-telangiectasia, complementation group D; AT, COMPLEMENTATION GROUP C; ATAXIA-TELANGIECTASIA, COMPLEMENTATION GROUP A; ATAXIA-TELANGIECTASIA, FRESNO VARIANT; Ataxia-telangiectasia; Ataxia-telangiectasia, complementation group E. Identifiers: Orphanet 100, MedGen C0004135, MONDO:0008840, OMIM 208900.

gnomAD v4.1: 1 of 1,613,788 alleles (0.000062%); highest among the groups gnomAD compares: Admixed American, 0.0017%; no homozygotes.

Submissions (2):

Women's Health and Genetics/Laboratory Corporation of America, LabCorp
Classification: Uncertain significance. Last evaluated: 2025-10-17. Review status: criteria provided, single submitter. Criteria: LabCorp Variant Classification Summary - May 2015. Collection method: clinical testing. Allele origin: germline.
Comment: Variant summary: ATM c.8414T>C (p.Met2805Thr) results in a non-conservative amino acid change located in the catalytic domain (IPR000403) of the encoded protein sequence. Algorithms developed to predict the effect of missense changes on protein structure and function are either unavailable or do not agree on the potential impact of this missense change. The variant was absent in 251078 control chromosomes (gnomAD). The available data on variant occurrences in the general population are insufficient to allow any conclusion about variant significance. c.8414T>C has been observed in individual(s) affected with ataxia telangiectasia; however it was found in case(s) where 2 other (unspecified) truncating variants were also present, which could explain the phenotype (Laake_2000). To our knowledge, no experimental evidence demonstrating an impact on protein function has been reported. The following publication have been ascertained in the context of this evaluation (PMID: 10980530). ClinVar contains an entry for this variant (Variation ID: 3710899). Based on the evidence outlined above, the variant was classified as uncertain significance.

Labcorp Genetics (formerly Invitae), Labcorp
Classification: Uncertain significance for Ataxia-telangiectasia syndrome. Last evaluated: 2025-01-06. Review status: criteria provided, single submitter. Criteria: Invitae Variant Classification Sherloc (09022015). Collection method: clinical testing. Allele origin: germline.
Comment: This sequence change replaces methionine, which is neutral and non-polar, with threonine, which is neutral and polar, at codon 2805 of the ATM protein (p.Met2805Thr). This variant is not present in population databases (gnomAD no frequency). This missense change has been observed in individual(s) with ataxia telangiectasia (PMID: 10980530). Invitae Evidence Modeling of protein sequence and biophysical properties (such as structural, functional, and spatial information, amino acid conservation, physicochemical variation, residue mobility, and thermodynamic stability) has been performed for this missense variant. However, the output from this modeling did not meet the statistical confidence thresholds required to predict the impact of this variant on ATM protein function. In summary, the available evidence is currently insufficient to determine the role of this variant in disease. Therefore, it has been classified as a Variant of Uncertain Significance.

Literature cited by the submitters: PubMed 10980530 (cited by Women's Health and Genetics/Laboratory Corporation of America, LabCorp and Labcorp Genetics (formerly Invitae), Labcorp).

NM_000051.4(ATM):c.8414T>C (p.Met2805Thr)

Genes: ATM (ATM serine/threonine kinase; plus strand), C11orf65 (chromosome 11 open reading frame 65; minus strand). Cytogenetic location: 11q22.3.
Variant type: single nucleotide variant.
Coding change: c.8414T>C on transcript NM_000051.4 (MANE Select); coding-DNA position 8414, T replaced by C.
Protein change: p.Met2805Thr; replaces methionine 2805 with threonine.
Molecular consequence: missense variant. On other transcripts: intron variant (2).
Genome position (GRCh38, 1-based): chr11:108,343,367, T>C. VCF-style: chr11-108343367-T-C. GRCh37 (hg19) VCF-style: chr11-108214094-T-C.
Other names: c.8414T>C, p.Met2805Thr (NM_001351834.2); c.641-34296A>G (NM_001330368.2); c.695-8075A>G (NM_001351110.2); short protein forms M2805T.
Identifiers: ClinVar variation 3710899 (VCV003710899.3).